The following is an entry in ClinVar:

ClinVar aggregate classification (germline): Uncertain significance (1 of 4 stars; one submission).

Conditions:
Hereditary cancer-predisposing syndrome. Also called: Neoplastic Syndromes, Hereditary; Tumor predisposition; Hereditary Cancer Syndrome; Hereditary neoplastic syndrome. Identifiers: Orphanet 140162, MedGen C0027672, MeSH D009386, MONDO:0015356.

Submission:

Ambry Genetics
Classification: Uncertain significance for Hereditary cancer-predisposing syndrome. Last evaluated: 2026-04-12. Review status: criteria provided, single submitter. Criteria: Ambry Variant Classification Scheme 2023. Collection method: clinical testing. Allele origin: germline.
Comment: The p.C393R variant (also known as c.1177T>C), located in coding exon 9 of the BRCA2 gene, results from a T to C substitution at nucleotide position 1177. The cysteine at codon 393 is replaced by arginine, an amino acid with highly dissimilar properties. This amino acid position is conserved. In addition, this alteration is predicted to be tolerated by in silico analysis. Based on the available evidence, the clinical significance of this variant remains unclear.

NM_000059.4(BRCA2):c.1177T>C (p.Cys393Arg)

Gene: BRCA2 (BRCA2 DNA repair associated; plus strand). Cytogenetic location: 13q13.1.
Variant type: single nucleotide variant.
Coding change: c.1177T>C on transcript NM_000059.4 (MANE Select); coding-DNA position 1177, T replaced by C.
Protein change: p.Cys393Arg; replaces cysteine 393 with arginine.
Molecular consequence: missense variant. On other transcripts: non-coding transcript variant (1), intron variant (1).
Genome position (GRCh38, 1-based): chr13:32,332,655, T>C. VCF-style: chr13-32332655-T-C. GRCh37 (hg19) VCF-style: chr13-32906792-T-C.
Other names: c.1177T>C, p.Cys393Arg (NM_001406719.1, NM_001406720.1, NM_001406721.1 and 1 more transcripts); c.424+1625T>C (NM_001406722.1); short protein forms C393R.
Identifiers: ClinVar variation 4867759 (VCV004867759.1).